The following is an entry in ClinVar:

ClinVar aggregate classification (germline): Benign. Review status: criteria provided, multiple submitters, no conflicts (2 of 4 stars). 3 submissions from 3 submitters: Benign (2). 1 of the submissions does not count toward it. Last evaluated 2019-08-22.

Conditions:
ABCA7-related disorder. Also called: ABCA7-related condition.

Allele frequency attached by ClinVar (database versions not stated): gnomAD exomes 0.00869; ExAC 0.01294; 1000 Genomes Project 0.03275; gnomAD 0.03302 and 0.03564; 1000 Genomes Project 30x 0.03670; ESP Exome Variant Server 0.03835.
gnomAD v4.1: 9,764 of 1,589,686 alleles (0.61%); highest among the groups gnomAD compares: African/African-American, 12%; 560 homozygotes.

Submissions (3):

GeneDx
Classification: Benign. Last evaluated: 2019-08-22. Review status: criteria provided, single submitter. Criteria: GeneDx Variant Classification Process June 2021. Collection method: clinical testing. Allele origin: germline. Affected: yes.
Comment: This variant is associated with the following publications: (PMID: 30210277)

Breakthrough Genomics
Classification: Benign. Review status: criteria provided, single submitter. Criteria: ACMG Guidelines, 2015. Collection method: not provided. Allele origin: germline. Inheritance: Autosomal dominant inheritance. Affected: yes.

PreventionGenetics, part of Exact Sciences
Classification: Benign for ABCA7-related condition. Last evaluated: 2020-01-20. Review status: no assertion criteria provided. Collection method: clinical testing. Allele origin: germline. Not counted in ClinVar's aggregate classification.
Comment: This variant is classified as benign based on ACMG/AMP sequence variant interpretation guidelines (Richards et al. 2015 PMID: 25741868, with internal and published modifications).

NM_019112.4(ABCA7):c.2026G>A (p.Ala676Thr)

Gene: ABCA7 (ATP binding cassette subfamily A member 7; plus strand). Cytogenetic location: 19p13.3.
Variant type: single nucleotide variant.
Coding change: c.2026G>A on transcript NM_019112.4 (MANE Select); coding-DNA position 2026, G replaced by A.
Protein change: p.Ala676Thr; replaces alanine 676 with threonine.
Molecular consequence: missense variant.
Genome position (GRCh38, 1-based): chr19:1,047,337, G>A. VCF-style: chr19-1047337-G-A. GRCh37 (hg19) VCF-style: chr19-1047336-G-A.
Other names: short protein forms A676T.
Identifiers: ClinVar variation 1255334 (VCV001255334.5), dbSNP rs59851484, ClinGen allele CA9033275.
Genomic context (GRCh38, chr19:1,047,337, plus strand): 5'-GCTGCGGCCTGCGGCGGCCTGGCCTACTTCTCCCTCTACCTGCCCTACGTGCTGTGTGTG[G>A]CTTGGCGGGACCGGCTGCCCGCGGGTGGCCGCGTGGCCGCGGTGAGAGCCGGGTCGGGCG-3'
Protein context (NP_061985.2, residues 666-686): SLYLPYVLCV[Ala676Thr]WRDRLPAGGR